The following is an entry in ClinVar:

NM_001292063.2(OTOG):c.6250C>T (p.Arg2084Trp)

Gene: OTOG (otogelin; plus strand). Cytogenetic location: 11p15.1.
Variant type: single nucleotide variant.
Coding change: c.6250C>T on transcript NM_001292063.2 (MANE Select); coding-DNA position 6250, C replaced by T.
Protein change: p.Arg2084Trp; replaces arginine 2084 with tryptophan.
Molecular consequence: missense variant.
Genome position (GRCh38, 1-based): chr11:17,612,288, C>T. VCF-style: chr11-17612288-C-T. GRCh37 (hg19) VCF-style: chr11-17633835-C-T.
Other names: c.6286C>T, p.Arg2096Trp (NM_001277269.2); short protein forms R2084W, R2096W.
Identifiers: ClinVar variation 1064920 (VCV001064920.4), dbSNP rs180901190, ClinGen allele CA218478301.

ClinVar aggregate classification (germline): Uncertain significance. Review status: criteria provided, multiple submitters, no conflicts (2 of 4 stars). 2 submissions from 2 submitters: Uncertain significance (2). Last evaluated 2025-12-08.

Conditions:
OTOG-related disorder. Also called: OTOG-related condition.
Hearing impairment. Also called: Impaired Hearing. Identifiers: MedGen C1384666, MONDO:0005365, HP:0000365.

Allele frequency attached by ClinVar (database versions not stated): gnomAD 0.00003 and 0.00001; gnomAD exomes 0.00003; 1000 Genomes Project 0.00040; 1000 Genomes Project 30x 0.00062; TOPMed below 0.00001.
gnomAD v4.1: 64 of 1,542,100 alleles (0.0042%); highest among the groups gnomAD compares: African/African-American, 0.0055%; no homozygotes.

Submissions (2):

PreventionGenetics, part of Exact Sciences
Classification: Uncertain significance for OTOG-related condition. Last evaluated: 2025-12-08. Review status: criteria provided, single submitter. Criteria: ACMG Guidelines, 2015. Collection method: clinical testing. Allele origin: germline.
Comment: The OTOG c.6286C>T variant is predicted to result in the amino acid substitution p.Arg2096Trp. To our knowledge, this variant has not been reported in the literature. This variant is reported in 0.0081% of alleles in individuals of East Asian descent in gnomAD. At this time, the clinical significance of this variant is uncertain due to the absence of conclusive functional and genetic evidence.

Department of Otolaryngology – Head & Neck Surgery, Cochlear Implant Center
Classification: Uncertain significance for Hearing impairment. Last evaluated: 2021-04-12. Review status: criteria provided, single submitter. Criteria: ClinGen HL ACMG Specifications v1. Collection method: clinical testing. Allele origin: germline. Affected: yes.
Comment: PM2_Moderate, PP3_Supporting